The following is an entry in ClinVar:

NM_004174.4(SLC9A3):c.1949G>A (p.Arg650Gln)

Genes: SLC9A3 (solute carrier family 9 member A3), SLC9A3-AS1 (SLC9A3 antisense RNA 1; plus strand). Cytogenetic location: 5p15.33.
Variant type: single nucleotide variant.
Coding change: c.1949G>A on transcript NM_004174.4 (MANE Select); coding-DNA position 1949, G replaced by A.
Protein change: p.Arg650Gln; replaces arginine 650 with glutamine.
Molecular consequence: missense variant. On other transcripts: non-coding transcript variant (1).
Genome position (GRCh38, 1-based): chr5:476,320, C>T on the plus strand (G>A on the coding strand, the complement: SLC9A3 is on the minus strand). VCF-style: chr5-476320-C-T. GRCh37 (hg19) VCF-style: chr5-476435-C-T.
Other names: c.1922G>A, p.Arg641Gln (NM_001284351.3); short protein forms R650Q, R641Q.
Identifiers: ClinVar variation 1910027 (VCV001910027.3), dbSNP rs373185294, ClinGen allele CA3175630.

ClinVar aggregate classification (germline): Uncertain significance (1 of 4 stars; one submission).

gnomAD v4.1: 62 of 1,613,850 alleles (0.0038%); highest among the groups gnomAD compares: Middle Eastern, 0.033%; no homozygotes.

Submission:

Labcorp Genetics (formerly Invitae), Labcorp
Classification: Uncertain significance. Last evaluated: 2023-12-10. Review status: criteria provided, single submitter. Criteria: Invitae Variant Classification Sherloc (09022015). Collection method: clinical testing. Allele origin: germline.
Comment: This sequence change replaces arginine, which is basic and polar, with glutamine, which is neutral and polar, at codon 650 of the SLC9A3 protein (p.Arg650Gln). This variant is present in population databases (rs373185294, gnomAD 0.002%). This variant has not been reported in the literature in individuals affected with SLC9A3-related conditions. ClinVar contains an entry for this variant (Variation ID: 1910027). Advanced modeling of protein sequence and biophysical properties (such as structural, functional, and spatial information, amino acid conservation, physicochemical variation, residue mobility, and thermodynamic stability) performed at Invitae indicates that this missense variant is not expected to disrupt SLC9A3 protein function with a negative predictive value of 80%. In summary, the available evidence is currently insufficient to determine the role of this variant in disease. Therefore, it has been classified as a Variant of Uncertain Significance.